The following is an entry in ClinVar:

NM_173495.3(PTCHD1):c.2453A>G (p.Asn818Ser)

Gene: PTCHD1 (patched domain containing 1; plus strand). Cytogenetic location: Xp22.11.
Variant type: single nucleotide variant.
Coding change: c.2453A>G on transcript NM_173495.3 (MANE Select); coding-DNA position 2453, A replaced by G.
Protein change: p.Asn818Ser; replaces asparagine 818 with serine.
Molecular consequence: missense variant.
Genome position (GRCh38, 1-based): chrX:23,393,971, A>G. VCF-style: chrX-23393971-A-G. GRCh37 (hg19) VCF-style: chrX-23412088-A-G.
Other names: short protein forms N818S.
Identifiers: ClinVar variation 3427367 (VCV003427367.3).
Genomic context (GRCh38, chrX:23,393,971, plus strand): 5'-TTTTACAGAGTTACCTCTGCTATATTGTTGGTCTGATTCCTCTTGCAGCTGTGCCTTCAA[A>G]TCTGACCTGTACACTGTTCAGGTGCTTGTTTTTAATAGCATTTGTCACCTTCTTTCACTG-3'
Protein context (NP_775766.2, residues 808-828): GLIPLAAVPS[Asn818Ser]LTCTLFRCLF

ClinVar aggregate classification (germline): Uncertain significance. Review status: criteria provided, multiple submitters, no conflicts (2 of 4 stars). 2 submissions from 2 submitters: Uncertain significance (2). Last evaluated 2025-07-16.

Conditions:
Inborn genetic diseases. Identifiers: MedGen C0950123, MeSH D030342.

gnomAD v4.1: 1 of 1,210,740 alleles (0.000083%); highest among the groups gnomAD compares: Admixed American, 0.0022%; no homozygotes.

Submissions (2):

Labcorp Genetics (formerly Invitae), Labcorp
Classification: Uncertain significance. Last evaluated: 2025-07-16. Review status: criteria provided, single submitter. Criteria: Invitae Variant Classification Sherloc (09022015). Collection method: clinical testing. Allele origin: germline.
Comment: This sequence change replaces asparagine, which is neutral and polar, with serine, which is neutral and polar, at codon 818 of the PTCHD1 protein (p.Asn818Ser). This variant is present in population databases (no rsID available, gnomAD 0.004%). This variant has not been reported in the literature in individuals affected with PTCHD1-related conditions. ClinVar contains an entry for this variant (Variation ID: 3427367). Invitae Evidence Modeling of protein sequence and biophysical properties (such as structural, functional, and spatial information, amino acid conservation, physicochemical variation, residue mobility, and thermodynamic stability) has been performed for this missense variant. However, the output from this modeling did not meet the statistical confidence thresholds required to predict the impact of this variant on PTCHD1 protein function. In summary, the available evidence is currently insufficient to determine the role of this variant in disease. Therefore, it has been classified as a Variant of Uncertain Significance.

Ambry Genetics
Classification: Uncertain significance for Inborn genetic diseases. Last evaluated: 2024-10-12. Review status: criteria provided, single submitter. Criteria: Ambry Variant Classification Scheme 2023. Collection method: clinical testing. Allele origin: germline.